The following is an entry in ClinVar:

ClinVar aggregate classification (germline): Uncertain significance (1 of 4 stars; one submission).

Conditions:
Cortical dysplasia-focal epilepsy syndrome (PTHSL1). Also called: Pitt-Hopkins-like syndrome 1. Identifiers: Orphanet 163681, Orphanet 221150, MedGen C2750246, MONDO:0012400, OMIM 610042.

Allele frequency attached by ClinVar (database versions not stated): gnomAD exomes below 0.00001; gnomAD 0.00001.

Submission:

Labcorp Genetics (formerly Invitae), Labcorp
Classification: Uncertain significance for Cortical dysplasia-focal epilepsy syndrome. Last evaluated: 2022-08-16. Review status: criteria provided, single submitter. Criteria: Invitae Variant Classification Sherloc (09022015). Collection method: clinical testing. Allele origin: germline.
Comment: In summary, the available evidence is currently insufficient to determine the role of this variant in disease. Therefore, it has been classified as a Variant of Uncertain Significance. Algorithms developed to predict the effect of missense changes on protein structure and function are either unavailable or do not agree on the potential impact of this missense change (SIFT: "Deleterious"; PolyPhen-2: "Benign"; Align-GVGD: "Class C0"). ClinVar contains an entry for this variant (Variation ID: 864775). This variant has not been reported in the literature in individuals affected with CNTNAP2-related conditions. This variant is present in population databases (no rsID available, gnomAD 0.0009%). This sequence change replaces threonine, which is neutral and polar, with alanine, which is neutral and non-polar, at codon 381 of the CNTNAP2 protein (p.Thr381Ala).

NM_014141.6(CNTNAP2):c.1141A>G (p.Thr381Ala)

Gene: CNTNAP2 (contactin associated protein 2; plus strand). Cytogenetic location: 7q35.
Variant type: single nucleotide variant.
Coding change: c.1141A>G on transcript NM_014141.6 (MANE Select); coding-DNA position 1141, A replaced by G.
Protein change: p.Thr381Ala; replaces threonine 381 with alanine.
Molecular consequence: missense variant.
Genome position (GRCh38, 1-based): chr7:147,132,302, A>G. VCF-style: chr7-147132302-A-G. GRCh37 (hg19) VCF-style: chr7-146829394-A-G.
Other names: short protein forms T381A.
Identifiers: ClinVar variation 864775 (VCV000864775.8), dbSNP rs1297941346, ClinGen allele CA369924570.